The following is an entry in ClinVar:

GRCh37/hg19 7q11.23-21.3(chr7:74666254-97791584)x1

Genes: ABCB1 (ATP binding cassette subfamily B member 1; minus strand), ABCB4 (ATP binding cassette subfamily B member 4; minus strand), ADAM22 (ADAM metallopeptidase domain 22; plus strand), AKAP9 (A-kinase anchoring protein 9; plus strand), ANKIB1 (ankyrin repeat and IBR domain containing 1; plus strand) and 98 more. Cytogenetic location: 7q11.23-21.3.
Variant type: copy number loss.
Change: copy number 1 (one copy instead of two) of chr7:74,666,254-97,791,584 (23.13 Mb, GRCh37 coordinates, 1-based), cytogenetic band 7q11.23-21.3.
Identifiers: ClinVar variation 3391895 (VCV003391895.1).

ClinVar aggregate classification (germline): Pathogenic (1 of 4 stars; one submission).

Submission:

Quest Diagnostics Nichols Institute San Juan Capistrano
Classification: Pathogenic. Last evaluated: 2024-03-21. Review status: criteria provided, single submitter. Criteria: ACMG/ClinGen CNV Guidelines, 2019. Collection method: clinical testing. Allele origin: unknown.
Comment: This deletion involves over 100 protein coding genes and overlaps the distal 7q11.23 deletion syndromic region (OMIM 613729; ISCA-46291; Birca 2022, Edelmann 2007, Ramocki 2010 ). Additionally, heterozygous deletions that overlap 7q21.3 are associated with additional features (Ambrosetti 2023, Vera-Carbonell 2012). There are no similar copy number losses of this region in the general populations of the Database of Genomic Variants. Thus, based on gene count and current medical literature, this copy number variant (CNV) is classified as pathogenic. References: Ambrosetti et al., Genes (Basel). 2023 Jul 26;14(8):1526. PMID: 37628577; Birca et al., Child Neurol Open. 2022 Apr 21;9:2329048X221093173. PMID: 35481155; Edelmann et al., J Med Genet. 2007 Feb;44(2):136-43. PMID: 16971481; Ramocki et al., Am J Hum Genet. 2010 Dec 10;87(6):857-65. PMID: 21109226; Vera-Carbonell et al., Gene. 2012 Apr 15;497(2):292-7. PMID: 22342398